The following is an entry in ClinVar:

ClinVar aggregate classification (germline): Uncertain significance (1 of 4 stars; one submission).

Conditions:
Aicardi-Goutieres syndrome 7 (AGS7). Identifiers: Orphanet 51, MedGen C3888244, MONDO:0014367, OMIM 615846.
Singleton-Merten syndrome 1 (SGMRT1). Also called: Widened medullary cavities of bone, aortic calcification, abnormal dentition, and muscular weakness; Syndrome of widened medullary cavities of the metacarpals and phalanges, aortic calcification and abnormal dentition. Identifiers: Orphanet 85191, MedGen C4225427, MONDO:0024535, OMIM 182250.

Allele frequency attached by ClinVar (database versions not stated): gnomAD exomes below 0.00001.

Submission:

Labcorp Genetics (formerly Invitae), Labcorp
Classification: Uncertain significance for Aicardi-Goutieres syndrome 7; Singleton-Merten syndrome 1. Last evaluated: 2022-06-07. Review status: criteria provided, single submitter. Criteria: Invitae Variant Classification Sherloc (09022015). Collection method: clinical testing. Allele origin: germline.
Comment: Experimental studies and prediction algorithms are not available or were not evaluated, and the functional significance of this variant is currently unknown. This sequence change creates a premature translational stop signal (p.Asn944Lysfs*13) in the IFIH1 gene. While this is not anticipated to result in nonsense mediated decay, it is expected to disrupt the last 82 amino acid(s) of the IFIH1 protein. This variant is not present in population databases (gnomAD no frequency). This variant has not been reported in the literature in individuals affected with IFIH1-related conditions. In summary, the available evidence is currently insufficient to determine the role of this variant in disease. Therefore, it has been classified as a Variant of Uncertain Significance.

NM_022168.4(IFIH1):c.2832del (p.Asn944fs)

Gene: IFIH1 (interferon induced with helicase C domain 1; minus strand). Cytogenetic location: 2q24.2.
Variant type: Deletion.
Coding change: c.2832del on transcript NM_022168.4 (MANE Select); coding-DNA position 2832, one base deleted (C; older notation c.2832delC).
Protein change: p.Asn944fs; shifts the reading frame from asparagine 944.
Molecular consequence: frameshift variant.
Genome position (GRCh38, 1-based): chr2:162,267,545, G deleted on the plus strand (C on the coding strand, the reverse complement: IFIH1 is on the minus strand). VCF-style (leftmost placement, unchanged base first): chr2-162267544-TG-T. GRCh37 (hg19) VCF-style: chr2-163124054-TG-T.
Other names: short protein forms N944fs.
Identifiers: ClinVar variation 2002743 (VCV002002743.4), dbSNP rs2468943702, ClinGen allele CA2580064155.
Genomic context (GRCh38, chr2:162,267,544, plus strand): 5'-CACATTTGCAGATGATTTCACCATTTATTTGATAGTCGGCACACTTCTTTTGCAGTGCTT[TG>T]TTTTCTCTTACAATGTAAAGTTCCCTATAAGTATCAAAGGGAAAGAATCATCATGGAGAA-3'